The following is an entry in ClinVar:

NM_004341.5(CAD):c.4394C>T (p.Pro1465Leu)

Gene: CAD (carbamoyl-phosphate synthetase 2, aspartate transcarbamylase, and dihydroorotase; plus strand). Cytogenetic location: 2p23.3.
Variant type: single nucleotide variant.
Coding change: c.4394C>T on transcript NM_004341.5 (MANE Select); coding-DNA position 4394, C replaced by T.
Protein change: p.Pro1465Leu; replaces proline 1465 with leucine.
Molecular consequence: missense variant.
Genome position (GRCh38, 1-based): chr2:27,236,828, C>T. VCF-style: chr2-27236828-C-T. GRCh37 (hg19) VCF-style: chr2-27459696-C-T.
Other names: c.4205C>T, p.Pro1402Leu (NM_001306079.2); short protein forms P1465L, P1402L.
Identifiers: ClinVar variation 1920761 (VCV001920761.4), dbSNP rs770749734, ClinGen allele CA1573508.
Genomic context (GRCh38, chr2:27,236,828, plus strand): 5'-CAGCCCCTCCTTTGAAGGTGCATGTTGACTGTATGACCTCCCAAAAGCTTGTGCGACTGC[C>T]GGGTAAGTCTTTGGGGAGAACTTGGCTTCTGAACACTGGCAGCCCCTGGCATAGAGACCT-3'
Protein context (NP_004332.2, residues 1455-1475): CMTSQKLVRL[Pro1465Leu]GLIDVHVHLR

ClinVar aggregate classification (germline): Uncertain significance (1 of 4 stars; one submission).

Allele frequency attached by ClinVar (database versions not stated): gnomAD exomes 0.00001; TOPMed 0.00001; ExAC 0.00002.

Submission:

Labcorp Genetics (formerly Invitae), Labcorp
Classification: Uncertain significance. Last evaluated: 2024-10-15. Review status: criteria provided, single submitter. Criteria: Invitae Variant Classification Sherloc (09022015). Collection method: clinical testing. Allele origin: germline.
Comment: This sequence change replaces proline, which is neutral and non-polar, with leucine, which is neutral and non-polar, at codon 1465 of the CAD protein (p.Pro1465Leu). This variant is present in population databases (rs770749734, gnomAD 0.002%). This variant has not been reported in the literature in individuals affected with CAD-related conditions. ClinVar contains an entry for this variant (Variation ID: 1920761). An algorithm developed to predict the effect of missense changes on protein structure and function (PolyPhen-2) suggests that this variant is likely to be disruptive. In summary, the available evidence is currently insufficient to determine the role of this variant in disease. Therefore, it has been classified as a Variant of Uncertain Significance.